The following is an entry in ClinVar:

NM_000478.6(ALPL):c.529G>T (p.Ala177Ser)

Gene: ALPL (alkaline phosphatase, biomineralization associated; plus strand). Cytogenetic location: 1p36.12.
Variant type: single nucleotide variant.
Coding change: c.529G>T on transcript NM_000478.6 (MANE Select); coding-DNA position 529, G replaced by T.
Protein change: p.Ala177Ser; replaces alanine 177 with serine.
Molecular consequence: missense variant.
Genome position (GRCh38, 1-based): chr1:21,564,097, G>T. VCF-style: chr1-21564097-G-T. GRCh37 (hg19) VCF-style: chr1-21890590-G-T.
Other names: c.364G>T, p.Ala122Ser (NM_001127501.4); c.298G>T, p.Ala100Ser (NM_001177520.3); c.529G>T, p.Ala177Ser (NM_001369803.2, NM_001369804.2, NM_001369805.2); short protein forms A100S, A122S, A177S.
Identifiers: ClinVar variation 2782530 (VCV002782530.3), dbSNP rs199669988, ClinGen allele CA338877902.

ClinVar aggregate classification (germline): Likely pathogenic (1 of 4 stars; one submission).

gnomAD v4.1: 1 of 1,614,044 alleles (0.000062%); highest among the groups gnomAD compares: Non-Finnish European, 0.000085%; no homozygotes.

Submission:

Labcorp Genetics (formerly Invitae), Labcorp
Classification: Likely pathogenic. Last evaluated: 2022-11-29. Review status: criteria provided, single submitter. Criteria: Invitae Variant Classification Sherloc (09022015). Collection method: clinical testing. Allele origin: germline.
Comment: This sequence change replaces alanine, which is neutral and non-polar, with serine, which is neutral and polar, at codon 177 of the ALPL protein (p.Ala177Ser). This variant is not present in population databases (gnomAD no frequency). In summary, the currently available evidence indicates that the variant is pathogenic, but additional data are needed to prove that conclusively. Therefore, this variant has been classified as Likely Pathogenic. This variant disrupts the p.Ala177 amino acid residue in ALPL. Other variant(s) that disrupt this residue have been determined to be pathogenic (PMID: 9452105, 11760847, 12162492, 18455459). This suggests that this residue is clinically significant, and that variants that disrupt this residue are likely to be disease-causing. Advanced modeling of protein sequence and biophysical properties (such as structural, functional, and spatial information, amino acid conservation, physicochemical variation, residue mobility, and thermodynamic stability) performed at Invitae indicates that this missense variant is expected to disrupt ALPL protein function. This variant has not been reported in the literature in individuals affected with ALPL-related conditions.

Literature cited by the submitters: PubMed 9452105; PubMed 11760847; PubMed 12162492; PubMed 18455459.